The following is an entry in ClinVar:

NM_178822.5(IGSF10):c.4462G>A (p.Asp1488Asn)

Gene: IGSF10 (immunoglobulin superfamily member 10; minus strand). Cytogenetic location: 3q25.1.
Variant type: single nucleotide variant.
Coding change: c.4462G>A on transcript NM_178822.5 (MANE Select); coding-DNA position 4462, G replaced by A.
Protein change: p.Asp1488Asn; replaces aspartic acid 1488 with asparagine.
Molecular consequence: missense variant.
Genome position (GRCh38, 1-based): chr3:151,445,519, C>T on the plus strand (G>A on the coding strand, the complement: IGSF10 is on the minus strand). VCF-style: chr3-151445519-C-T. GRCh37 (hg19) VCF-style: chr3-151163307-C-T.
Other names: c.4462G>A, p.Asp1488Asn (NM_001385060.1, NM_001385061.1, NM_001385062.1 and 1 more transcripts); short protein forms D1488N.
Identifiers: ClinVar variation 3528294 (VCV003528294.3).
Genomic context (GRCh38, chr3:151,445,519, plus strand): 5'-ATTCGTGCAGCTTGACCACTGTATTTGTCATAAGCCCGGAAATGGGAGTCGCCACGTTGT[C>T]AGTAACTGCTCTCTGAGTAAAGGGAGGGGAGATGGGAACTGGCATTAGAGTAGCACTGCT-3'
Protein context (NP_849144.2, residues 1478-1498): SPPFTQRAVT[Asp1488Asn]NVATPISGLM

ClinVar aggregate classification (germline): Uncertain significance. Review status: criteria provided, multiple submitters, no conflicts (2 of 4 stars). 2 submissions from 2 submitters: Uncertain significance (2). Last evaluated 2025-07-31.

gnomAD v4.1: 65 of 1,614,042 alleles (0.004%); highest among the groups gnomAD compares: Middle Eastern, 0.67%; no homozygotes.

Submissions (2):

Labcorp Genetics (formerly Invitae), Labcorp
Classification: Uncertain significance. Last evaluated: 2025-07-31. Review status: criteria provided, single submitter. Criteria: Invitae Variant Classification Sherloc (09022015). Collection method: clinical testing. Allele origin: germline.
Comment: This sequence change replaces aspartic acid, which is acidic and polar, with asparagine, which is neutral and polar, at codon 1488 of the IGSF10 protein (p.Asp1488Asn). This variant is present in population databases (rs148404092, gnomAD 0.01%). This variant has not been reported in the literature in individuals affected with IGSF10-related conditions. ClinVar contains an entry for this variant (Variation ID: 3528294). An algorithm developed to predict the effect of missense changes on protein structure and function outputs the following: PolyPhen-2: "Benign". The asparagine amino acid residue is found in multiple mammalian species, which suggests that this missense change does not adversely affect protein function. In summary, the available evidence is currently insufficient to determine the role of this variant in disease. Therefore, it has been classified as a Variant of Uncertain Significance.

Ambry Genetics
Classification: Uncertain significance. Last evaluated: 2024-08-11. Review status: criteria provided, single submitter. Criteria: Ambry Variant Classification Scheme 2023. Collection method: clinical testing. Allele origin: germline.